The following is an entry in ClinVar:

NM_012295.4(CABIN1):c.1443C>T (p.Asn481=)

Gene: CABIN1 (calcineurin binding protein 1; plus strand). Cytogenetic location: 22q11.23.
Variant type: single nucleotide variant.
Coding change: c.1443C>T on transcript NM_012295.4 (MANE Select); coding-DNA position 1443, C replaced by T.
Protein change: p.Asn481=; no amino-acid change (asparagine 481 retained).
Molecular consequence: synonymous variant.
Genome position (GRCh38, 1-based): chr22:24,059,967, C>T. VCF-style: chr22-24059967-C-T. GRCh37 (hg19) VCF-style: chr22-24456430-C-T.
Other names: c.1443C>T, p.Asn481= (NM_001199281.1); c.1293C>T, p.Asn431= (NM_001201429.2).
Identifiers: ClinVar variation 3035232 (VCV003035232.2), dbSNP rs139493223, ClinGen allele CA10148622.

ClinVar aggregate classification (germline): Likely benign (0 of 4 stars; one submission).

Conditions:
CABIN1-related disorder. Also called: CABIN1-related condition.

Allele frequency attached by ClinVar (database versions not stated): gnomAD exomes 0.00002; ExAC 0.00004; ESP Exome Variant Server 0.00015; 1000 Genomes Project 30x 0.00016; 1000 Genomes Project 0.00020; gnomAD 0.00020; TOPMed 0.00025.
gnomAD v4.1: 63 of 1,614,178 alleles (0.0039%); highest among the groups gnomAD compares: African/African-American, 0.064%; no homozygotes.

Submission:

PreventionGenetics, part of Exact Sciences
Classification: Likely benign for CABIN1-related condition. Last evaluated: 2019-08-12. Review status: no assertion criteria provided. Collection method: clinical testing. Allele origin: germline.
Comment: This variant is classified as likely benign based on ACMG/AMP sequence variant interpretation guidelines (Richards et al. 2015 PMID: 25741868, with internal and published modifications).